The following is an entry in ClinVar:

NM_000038.6(APC):c.1073A>G (p.Gln358Arg)

Gene: APC (APC regulator of Wnt signaling pathway; plus strand). Cytogenetic location: 5q22.2.
Variant type: single nucleotide variant.
Coding change: c.1073A>G on transcript NM_000038.6 (MANE Select); coding-DNA position 1073, A replaced by G.
Protein change: p.Gln358Arg; replaces glutamine 358 with arginine.
Molecular consequence: missense variant. On other transcripts: intron variant (4).
Genome position (GRCh38, 1-based): chr5:112,819,105, A>G. VCF-style: chr5-112819105-A-G. GRCh37 (hg19) VCF-style: chr5-112154802-A-G.
Other names: c.1073A>G, p.Gln358Arg (NM_001127510.3, NM_001354895.2, NM_001354896.2); c.1019A>G, p.Gln340Arg (NM_001127511.3); c.1103A>G, p.Gln368Arg (NM_001354897.2); c.998A>G, p.Gln333Arg (NM_001354898.2); c.989A>G, p.Gln330Arg (NM_001354899.2); c.896A>G, p.Gln299Arg (NM_001354900.2, NM_001354901.2); c.224A>G, p.Gln75Arg (NM_001354906.2); c.964-164A>G (NM_001354902.2); and 3 more; short protein forms Q340R, Q358R, Q75R, Q368R, Q299R, Q330R, Q333R.
Identifiers: ClinVar variation 418898 (VCV000418898.16), dbSNP rs1064793508, ClinGen allele CA16023658.
Genomic context (GRCh38, chr5:112,819,105, plus strand): 5'-CTAGCTCCCAAGACAGCTGTATATCCATGCGACAGTCTGGATGTCTTCCTCTCCTCATCC[A>G]GCTTTTACATGGCAATGACAAAGACTCTGTATTGTTGGGAAATTCCCGGGGCAGTAAAGA-3'
Protein context (NP_000029.2, residues 348-368): RQSGCLPLLI[Gln358Arg]LLHGNDKDSV

ClinVar aggregate classification (germline): Uncertain significance. Review status: criteria provided, multiple submitters, no conflicts (2 of 4 stars). 5 submissions from 5 submitters: Uncertain significance (5). Last evaluated 2025-04-24.

Conditions:
Familial adenomatous polyposis 1 (FAP1). Also called: FAMILIAL ADENOMATOUS POLYPOSIS 1, ATTENUATED; POLYPOSIS, ADENOMATOUS INTESTINAL. Identifiers: MedGen C2713442, MONDO:0021056, OMIM 175100. Disease mechanism: loss of function.
Gastric adenocarcinoma and proximal polyposis of the stomach (GAPPS). Also called: POLYPOSIS, GASTRIC; Gastric Adenocarcinoma and Proximal Polyposis of the Stomach (GAPPS); Polyposis, gastric, Dos Santos and de Magalhaes 1980. Identifiers: Orphanet 314022, MedGen C4749917, MONDO:0017790, OMIM 619182.
Desmoid disease, hereditary (DESMD). Also called: FIBROMATOSIS, FAMILIAL INFILTRATIVE. Identifiers: Orphanet 873, MedGen C1851124, OMIM 135290. Disease mechanism: loss of function.
Hepatocellular carcinoma (HCC). Also called: Primary carcinoma of liver; HEPATOMA; LIVER CELL CARCINOMA. Identifiers: Orphanet 88673, MedGen C2239176, MONDO:0007256, OMIM 114550, HP:0001402.
Gastric cancer. Also called: Malignant tumor of stomach; Stomach cancer. Identifiers: MedGen C0024623, MeSH D013274, MONDO:0001056, OMIM 613659, HP:0012126.
Colorectal cancer. Also called: Malignant Colorectal Neoplasm; Colorectal cancer, somatic. Identifiers: MedGen C0346629, MONDO:0005575, OMIM 114500.
Hereditary cancer-predisposing syndrome. Also called: Neoplastic Syndromes, Hereditary; Hereditary Cancer Syndrome; Hereditary neoplastic syndrome; Tumor predisposition. Identifiers: Orphanet 140162, MedGen C0027672, MeSH D009386, MONDO:0015356.

Allele frequency attached by ClinVar (database versions not stated): gnomAD exomes below 0.00001.
gnomAD v4.1: 5 of 1,614,162 alleles (0.00031%); no homozygotes.

Submissions (5):

Labcorp Genetics (formerly Invitae), Labcorp
Classification: Uncertain significance for Familial adenomatous polyposis 1. Last evaluated: 2025-04-24. Review status: criteria provided, single submitter. Criteria: Invitae Variant Classification Sherloc (09022015). Collection method: clinical testing. Allele origin: germline.
Comment: This sequence change replaces glutamine, which is neutral and polar, with arginine, which is basic and polar, at codon 358 of the APC protein (p.Gln358Arg). This variant is present in population databases (no rsID available, gnomAD 0.0009%). This variant has not been reported in the literature in individuals affected with APC-related conditions. ClinVar contains an entry for this variant (Variation ID: 418898). Invitae Evidence Modeling of protein sequence and biophysical properties (such as structural, functional, and spatial information, amino acid conservation, physicochemical variation, residue mobility, and thermodynamic stability) indicates that this missense variant is not expected to disrupt APC protein function with a negative predictive value of 95%. In summary, the available evidence is currently insufficient to determine the role of this variant in disease. Therefore, it has been classified as a Variant of Uncertain Significance.

Color Diagnostics, LLC DBA Color Health
Classification: Uncertain significance for Hereditary cancer-predisposing syndrome. Last evaluated: 2025-01-14. Review status: criteria provided, single submitter. Criteria: ACMG Guidelines, 2015. Collection method: clinical testing. Allele origin: germline.
Comment: This missense variant replaces glutamine with arginine at codon 358 of the APC protein. Computational prediction suggests that this variant may not impact protein structure and function (internally defined REVEL score threshold <= 0.5, PMID: 27666373). To our knowledge, functional studies have not been reported for this variant. This variant has not been reported in individuals affected with APC-related disorders in the literature. This variant has been identified in 5/1614162 chromosomes in the general population by the Genome Aggregation Database (gnomAD). The available evidence is insufficient to determine the role of this variant in disease conclusively. Therefore, this variant is classified as a Variant of Uncertain Significance.

GeneDx
Classification: Uncertain significance. Last evaluated: 2024-11-12. Review status: criteria provided, single submitter. Criteria: GeneDx Variant Classification Process June 2021. Collection method: clinical testing. Allele origin: germline. Affected: yes.
Comment: Not observed at significant frequency in large population cohorts (gnomAD); In silico analysis supports that this missense variant has a deleterious effect on protein structure/function; Has not been previously published as pathogenic or benign to our knowledge

Fulgent Genetics
Classification: Uncertain significance for Colorectal cancer; Hepatocellular carcinoma; Desmoid disease, hereditary; Familial adenomatous polyposis 1; Gastric cancer; Gastric adenocarcinoma and proximal polyposis of the stomach. Last evaluated: 2024-06-04. Review status: criteria provided, single submitter. Criteria: ACMG Guidelines, 2015. Collection method: clinical testing. Allele origin: germline.

Ambry Genetics
Classification: Uncertain significance for Hereditary cancer-predisposing syndrome. Last evaluated: 2023-09-05. Review status: criteria provided, single submitter. Criteria: Ambry Variant Classification Scheme 2023. Collection method: clinical testing. Allele origin: germline.
Comment: The p.Q358R variant (also known as c.1073A>G), located in coding exon 9 of the APC gene, results from an A to G substitution at nucleotide position 1073. The glutamine at codon 358 is replaced by arginine, an amino acid with highly similar properties. This amino acid position is highly conserved in available vertebrate species. In addition, in silico predictors for this gene do not accurately predict pathogenicity. Since supporting evidence is limited at this time, the clinical significance of this alteration remains unclear.